The following is an entry in ClinVar:

ClinVar aggregate classification (germline): Likely benign (0 of 4 stars; one submission).

Conditions:
TRIT1-related disorder. Also called: TRIT1-related condition.

Allele frequency attached by ClinVar (database versions not stated): gnomAD exomes below 0.00001.
gnomAD v4.1: 1 of 1,613,466 alleles (0.000062%); highest among the groups gnomAD compares: African/African-American, 0.0013%; no homozygotes.

Submission:

PreventionGenetics, part of Exact Sciences
Classification: Likely benign for TRIT1-related condition. Last evaluated: 2019-03-21. Review status: no assertion criteria provided. Collection method: clinical testing. Allele origin: germline.
Comment: This variant is classified as likely benign based on ACMG/AMP sequence variant interpretation guidelines (Richards et al. 2015 PMID: 25741868, with internal and published modifications).

NM_017646.6(TRIT1):c.114G>A (p.Thr38=)

Genes: MYCL-AS1 (MYCL antisense RNA 1; plus strand), TRIT1 (tRNA isopentenyltransferase 1; minus strand). Cytogenetic location: 1p34.2.
Variant type: single nucleotide variant.
Coding change: c.114G>A on transcript NM_017646.6 (MANE Select); coding-DNA position 114, G replaced by A.
Protein change: p.Thr38=; no amino-acid change (threonine 38 retained).
Molecular consequence: synonymous variant. On other transcripts: non-coding transcript variant (1).
Genome position (GRCh38, 1-based): chr1:39,883,378, C>T on the plus strand (G>A on the coding strand, the complement: TRIT1 is on the minus strand). VCF-style: chr1-39883378-C-T. GRCh37 (hg19) VCF-style: chr1-40349050-C-T.
Other names: c.114G>A, p.Thr38= (NM_001312691.2, NM_001312692.2).
Identifiers: ClinVar variation 3058604 (VCV003058604.2), dbSNP rs1169885446, ClinGen allele CA417313513.